The following is an entry in ClinVar:

NM_001395002.1(MAP4K4):c.2183C>A (p.Ala728Glu)

Gene: MAP4K4 (mitogen-activated protein kinase kinase kinase kinase 4; plus strand). Cytogenetic location: 2q11.2.
Variant type: single nucleotide variant.
Coding change: c.2183C>A on transcript NM_001395002.1 (MANE Select); coding-DNA position 2183, C replaced by A.
Protein change: p.Ala728Glu; replaces alanine 728 with glutamic acid.
Molecular consequence: missense variant. On other transcripts: non-coding transcript variant (4).
Genome position (GRCh38, 1-based): chr2:101,865,015, C>A. VCF-style: chr2-101865015-C-A. GRCh37 (hg19) VCF-style: chr2-102481477-C-A.
Other names: c.1697C>A, p.Ala566Glu (NM_004834.5, NM_001384478.1, NM_001384482.1 and 1 more transcripts); c.1859C>A, p.Ala620Glu (NM_145686.4, NM_145687.4); c.1952C>A, p.Ala651Glu (NM_001242559.2, NM_001384481.1, NM_001384486.1 and 2 more transcripts); c.1928C>A, p.Ala643Glu (NM_001242560.2, NM_001384487.1, NM_001384509.1 and 1 more transcripts); c.2021C>A, p.Ala674Glu (NM_001384476.1, NM_001384484.1, NM_001384485.1 and 1 more transcripts); c.2015C>A, p.Ala672Glu (NM_001384477.1, NM_001384508.1); c.1790C>A, p.Ala597Glu (NM_001384483.1, NM_001384490.1, NM_001384494.1 and 1 more transcripts); c.2090C>A, p.Ala697Glu (NM_001384520.1, NM_001384543.1, NM_001384492.1); and 11 more; short protein forms A557E, A566E, A588E, A597E, A611E, A620E, A634E, A636E.
Identifiers: ClinVar variation 4887283 (VCV004887283.1).
Genomic context (GRCh38, chr2:101,865,015, plus strand): 5'-CCCCTGTTCTGTCCCGTCGAGATTCCCCACTGCAGGGCAGTGGGCAGCAGAATAGCCAGG[C>A]AGGACAGAGAAACTCCACCAGGTAAAAGACAAGTGAGCACTGAGAACAGGCCTTCTGTGC-3'
Protein context (NP_001381931.1, residues 718-738): LQGSGQQNSQ[Ala728Glu]GQRNSTSSIE

ClinVar aggregate classification (germline): Uncertain significance (1 of 4 stars; one submission).

gnomAD v4.1: 4 of 1,567,504 alleles (0.00026%); highest among the groups gnomAD compares: South Asian, 0.0047%; no homozygotes.

Submission:

Women's Health and Genetics/Laboratory Corporation of America, LabCorp
Classification: Uncertain significance. Last evaluated: 2026-06-12. Review status: criteria provided, single submitter. Criteria: LabCorp Variant Classification Summary - May 2015. Collection method: clinical testing. Allele origin: germline.
Comment: Variant summary: MAP4K4 c.1859C>A (p.Ala620Glu) results in a non-conservative amino acid change in the encoded protein sequence. Algorithms developed to predict the effect of missense changes on protein structure and function are either unavailable or do not agree on the potential impact of this missense change. The frequency data for this variant in gnomAD is considered unreliable, as metrics indicate poor data quality at this position. To our knowledge, no occurrence of c.1859C>A in individuals affected with MAP4K4-related conditions and no experimental evidence demonstrating its impact on protein function have been reported. No submitters have cited clinical-significance assessments for this variant to ClinVar. Based on the evidence outlined above, the variant was classified as uncertain significance.